The following is an entry in ClinVar:

NM_000434.4(NEU1):c.565C>T (p.Leu189=)

Gene: NEU1 (neuraminidase 1; minus strand). Cytogenetic location: 6p21.33.
Variant type: single nucleotide variant.
Coding change: c.565C>T on transcript NM_000434.4 (MANE Select); coding-DNA position 565, C replaced by T.
Protein change: p.Leu189=; no amino-acid change (leucine 189 retained).
Molecular consequence: synonymous variant.
Genome position (GRCh38, 1-based): chr6:31,861,238, G>A on the plus strand (C>T on the coding strand, the complement: NEU1 is on the minus strand). VCF-style: chr6-31861238-G-A. GRCh37 (hg19) VCF-style: chr6-31829015-G-A.
Identifiers: ClinVar variation 3055185 (VCV003055185.2), dbSNP rs2481401781, ClinGen allele CA449808493.

ClinVar aggregate classification (germline): Likely benign (0 of 4 stars; one submission).

Conditions:
NEU1-related disorder. Also called: NEU1-related condition.

Submission:

PreventionGenetics, part of Exact Sciences
Classification: Likely benign for NEU1-related condition. Last evaluated: 2023-07-10. Review status: no assertion criteria provided. Collection method: clinical testing. Allele origin: germline.
Comment: This variant is classified as likely benign based on ACMG/AMP sequence variant interpretation guidelines (Richards et al. 2015 PMID: 25741868, with internal and published modifications).